The following is an entry in ClinVar:

NM_001369369.1(FOXN1):c.1124T>C (p.Met375Thr)

Gene: FOXN1 (forkhead box N1; plus strand). Cytogenetic location: 17q11.2.
Variant type: single nucleotide variant.
Coding change: c.1124T>C on transcript NM_001369369.1 (MANE Select); coding-DNA position 1124, T replaced by C.
Protein change: p.Met375Thr; replaces methionine 375 with threonine.
Molecular consequence: missense variant.
Genome position (GRCh38, 1-based): chr17:28,534,527, T>C. VCF-style: chr17-28534527-T-C. GRCh37 (hg19) VCF-style: chr17-26861545-T-C.
Other names: c.1124T>C, p.Met375Thr (NM_003593.3); short protein forms M375T.
Identifiers: ClinVar variation 3679841 (VCV003679841.2).

ClinVar aggregate classification (germline): Uncertain significance (1 of 4 stars; one submission).

Conditions:
T-cell immunodeficiency, congenital alopecia, and nail dystrophy. Also called: Congenital alopecia and nail dystrophy associated with severe functional T-cell immunodeficiency; Pignata Guarino syndrome. Identifiers: Orphanet 169095, MedGen C1866426, MONDO:0011132, OMIM 601705.

Submission:

Labcorp Genetics (formerly Invitae), Labcorp
Classification: Uncertain significance for T-cell immunodeficiency, congenital alopecia, and nail dystrophy. Last evaluated: 2024-05-26. Review status: criteria provided, single submitter. Criteria: Invitae Variant Classification Sherloc (09022015). Collection method: clinical testing. Allele origin: germline.
Comment: This sequence change replaces methionine, which is neutral and non-polar, with threonine, which is neutral and polar, at codon 375 of the FOXN1 protein (p.Met375Thr). This variant is present in population databases (no rsID available, gnomAD 0.0009%). This variant has not been reported in the literature in individuals affected with FOXN1-related conditions. Advanced modeling of protein sequence and biophysical properties (such as structural, functional, and spatial information, amino acid conservation, physicochemical variation, residue mobility, and thermodynamic stability) has been performed at Invitae for this missense variant, however the output from this modeling did not meet the statistical confidence thresholds required to predict the impact of this variant on FOXN1 protein function. In summary, the available evidence is currently insufficient to determine the role of this variant in disease. Therefore, it has been classified as a Variant of Uncertain Significance.